The following is an entry in ClinVar:

ClinVar aggregate classification (germline): Likely benign (1 of 4 stars; one submission).

Allele frequency attached by ClinVar (database versions not stated): 1000 Genomes Project 0.00020; ExAC 0.00248; ESP Exome Variant Server 0.00315.

Submission:

CeGaT Center for Human Genetics Tuebingen
Classification: Likely benign. Last evaluated: 2026-01-01. Review status: criteria provided, single submitter. Criteria: CeGaT Center For Human Genetics Tuebingen Variant Classification Criteria Version 2. Collection method: clinical testing. Allele origin: germline. Affected: yes. Observed: 2 variant alleles.
Comment: DGCR6: BP4

NM_005675.6(DGCR6):c.440G>A (p.Arg147Gln)

Gene: DGCR6 (DiGeorge syndrome critical region gene 6; plus strand). Cytogenetic location: 22q11.21.
Variant type: single nucleotide variant.
Coding change: c.440G>A on transcript NM_005675.6 (MANE Select); coding-DNA position 440, G replaced by A.
Protein change: p.Arg147Gln; replaces arginine 147 with glutamine.
Molecular consequence: missense variant.
Genome position (GRCh38, 1-based): chr22:18,910,955, G>A. VCF-style: chr22-18910955-G-A. GRCh37 (hg19) VCF-style: chr22-18898468-G-A.
Other names: short protein forms R147Q.
Identifiers: ClinVar variation 2652850 (VCV002652850.24), dbSNP rs139729355, ClinGen allele CA10094723.